The following is an entry in ClinVar:

ClinVar aggregate classification (germline): Conflicting classifications of pathogenicity. Review status: criteria provided, conflicting classifications (1 of 4 stars). 3 submissions from 3 submitters: Uncertain significance (1); Likely benign (1). 1 of the submissions does not count toward it. Last evaluated 2023-01-18.

Conditions:
SPEN-related disorder. Also called: SPEN-related condition.

Allele frequency attached by ClinVar (database versions not stated): gnomAD exomes 0.00029; ExAC 0.00030; 1000 Genomes Project 0.00060; 1000 Genomes Project 30x 0.00078; gnomAD 0.00109 and 0.00121; TOPMed 0.00116; ESP Exome Variant Server 0.00138.
gnomAD v4.1: 370 of 1,612,596 alleles (0.023%); highest among the groups gnomAD compares: African/African-American, 0.43%; no homozygotes.

Submissions (3):

GeneDx
Classification: Uncertain significance. Last evaluated: 2023-01-18. Review status: criteria provided, single submitter. Criteria: GeneDx Variant Classification Process June 2021. Collection method: clinical testing. Allele origin: germline. Affected: yes.
Comment: In silico analysis supports that this missense variant does not alter protein structure/function; Has not been previously published as pathogenic or benign to our knowledge; This variant is associated with the following publications: (PMID: 30464253)

Labcorp Genetics (formerly Invitae), Labcorp
Classification: Likely benign. Last evaluated: 2018-08-24. Review status: criteria provided, single submitter. Criteria: Invitae Variant Classification Sherloc (09022015). Collection method: clinical testing. Allele origin: germline.

PreventionGenetics, part of Exact Sciences
Classification: Likely benign for SPEN-related condition. Last evaluated: 2022-04-06. Review status: no assertion criteria provided. Collection method: clinical testing. Allele origin: germline. Not counted in ClinVar's aggregate classification.
Comment: This variant is classified as likely benign based on ACMG/AMP sequence variant interpretation guidelines (Richards et al. 2015 PMID: 25741868, with internal and published modifications).

NM_015001.3(SPEN):c.908A>G (p.Asp303Gly)

Gene: SPEN (spen family transcriptional repressor; plus strand). Cytogenetic location: 1p36.13.
Variant type: single nucleotide variant.
Coding change: c.908A>G on transcript NM_015001.3 (MANE Select); coding-DNA position 908, A replaced by G.
Protein change: p.Asp303Gly; replaces aspartic acid 303 with glycine.
Molecular consequence: missense variant.
Genome position (GRCh38, 1-based): chr1:15,909,347, A>G. VCF-style: chr1-15909347-A-G. GRCh37 (hg19) VCF-style: chr1-16235842-A-G.
Other names: short protein forms D303G.
Identifiers: ClinVar variation 744144 (VCV000744144.6), dbSNP rs150756182, ClinGen allele CA618973.